The following is an entry in ClinVar:

ClinVar aggregate classification (germline): Uncertain significance. Review status: criteria provided, multiple submitters, no conflicts (2 of 4 stars). 2 submissions from 2 submitters: Uncertain significance (2). Last evaluated 2025-07-08.

Conditions:
Hereditary breast ovarian cancer syndrome. Also called: Hereditary breast and ovarian cancer syndrome (HBOC); Hereditary breast and/or ovarian cancer syndrome; Breast and ovarian cancer; Hereditary breast and ovarian cancer syndrome; Hereditary breast and ovarian cancer; BRCA1- and BRCA2-Associated Hereditary Breast and Ovarian Cancer. Identifiers: Orphanet 145, MedGen C0677776, MeSH D061325, MONDO:0003582. Disease mechanism: loss of function.
Hereditary cancer-predisposing syndrome. Also called: Hereditary Cancer Syndrome; Hereditary neoplastic syndrome; Neoplastic Syndromes, Hereditary; Tumor predisposition. Identifiers: Orphanet 140162, MedGen C0027672, MeSH D009386, MONDO:0015356.

Submissions (2):

Labcorp Genetics (formerly Invitae), Labcorp
Classification: Uncertain significance for Hereditary breast ovarian cancer syndrome. Last evaluated: 2025-07-08. Review status: criteria provided, single submitter. Criteria: Invitae Variant Classification Sherloc (09022015). Collection method: clinical testing. Allele origin: germline.
Comment: This sequence change replaces threonine, which is neutral and polar, with serine, which is neutral and polar, at codon 3165 of the BRCA2 protein (p.Thr3165Ser). This variant is not present in population databases (gnomAD no frequency). This variant has not been reported in the literature in individuals affected with BRCA2-related conditions. Invitae Evidence Modeling of protein sequence and biophysical properties (such as structural, functional, and spatial information, amino acid conservation, physicochemical variation, residue mobility, and thermodynamic stability) indicates that this missense variant is not expected to disrupt BRCA2 protein function with a negative predictive value of 95%. In summary, the available evidence is currently insufficient to determine the role of this variant in disease. Therefore, it has been classified as a Variant of Uncertain Significance.

Ambry Genetics
Classification: Uncertain significance for Hereditary cancer-predisposing syndrome. Last evaluated: 2025-06-24. Review status: criteria provided, single submitter. Criteria: Ambry Variant Classification Scheme 2023. Collection method: clinical testing. Allele origin: germline.
Comment: The p.T3165S variant (also known as c.9493A>T), located in coding exon 24 of the BRCA2 gene, results from an A to T substitution at nucleotide position 9493. The threonine at codon 3165 is replaced by serine, an amino acid with similar properties. This amino acid position is conserved. In addition, this alteration is predicted to be tolerated by in silico analysis. Based on the available evidence, the clinical significance of this variant remains unclear.

NM_000059.4(BRCA2):c.9493A>T (p.Thr3165Ser)

Gene: BRCA2 (BRCA2 DNA repair associated; plus strand). Cytogenetic location: 13q13.1.
Variant type: single nucleotide variant.
Coding change: c.9493A>T on transcript NM_000059.4 (MANE Select); coding-DNA position 9493, A replaced by T.
Protein change: p.Thr3165Ser; replaces threonine 3165 with serine.
Molecular consequence: missense variant. On other transcripts: non-coding transcript variant (1).
Genome position (GRCh38, 1-based): chr13:32,394,925, A>T. VCF-style: chr13-32394925-A-T. GRCh37 (hg19) VCF-style: chr13-32969062-A-T.
Other names: c.9397A>T, p.Thr3133Ser (NM_001406719.1); c.9442A>T, p.Thr3148Ser (NM_001406720.1); c.4561A>T, p.Thr1521Ser (NM_001406721.1); c.3076A>T, p.Thr1026Ser (NM_001406722.1); c.9493A>T, p.Thr3165Ser (NM_001432077.1); short protein forms T3165S, T3148S, T1026S, T1521S, T3133S.
Identifiers: ClinVar variation 4215821 (VCV004215821.2).